The following is an entry in ClinVar:

NM_001277313.2(FMN1):c.2044-2486A>G

Gene: FMN1 (formin 1; minus strand). Cytogenetic location: 15q13.3.
Variant type: single nucleotide variant.
Coding change: c.2044-2486A>G on transcript NM_001277313.2 (MANE Select); 2486 bases into the intron before coding-DNA position 2044, A replaced by G.
Molecular consequence: intron variant. On other transcripts: missense variant (1).
Genome position (GRCh38, 1-based): chr15:33,067,560, T>C on the plus strand (A>G on the coding strand, the complement: FMN1 is on the minus strand). VCF-style: chr15-33067560-T-C. GRCh37 (hg19) VCF-style: chr15-33359761-T-C.
Other names: c.325A>G, p.Arg109Gly (NM_001103184.4); short protein forms R109G.
Identifiers: ClinVar variation 2137645 (VCV002137645.4), dbSNP rs1444996401, ClinGen allele CA391574091.

ClinVar aggregate classification (germline): Uncertain significance (1 of 4 stars; one submission).

gnomAD v4.1: 1 of 1,613,998 alleles (0.000062%); highest among the groups gnomAD compares: Non-Finnish European, 0.000085%; no homozygotes.

Submission:

Labcorp Genetics (formerly Invitae), Labcorp
Classification: Uncertain significance. Last evaluated: 2022-02-25. Review status: criteria provided, single submitter. Criteria: Invitae Variant Classification Sherloc (09022015). Collection method: clinical testing. Allele origin: germline.
Comment: In summary, the available evidence is currently insufficient to determine the role of this variant in disease. Therefore, it has been classified as a Variant of Uncertain Significance. Algorithms developed to predict the effect of missense changes on protein structure and function are either unavailable or do not agree on the potential impact of this missense change (SIFT: "Tolerated"; PolyPhen-2: "Not Available"; Align-GVGD: "Class C0"). This variant has not been reported in the literature in individuals affected with FMN1-related conditions. This variant is not present in population databases (gnomAD no frequency). This sequence change replaces arginine, which is basic and polar, with glycine, which is neutral and non-polar, at codon 109 of the FMN1 protein (p.Arg109Gly).